The following is an entry in ClinVar:

NM_015271.5(TRIM2):c.292G>A (p.Glu98Lys)

Gene: TRIM2 (tripartite motif containing 2; plus strand). Cytogenetic location: 4q31.3.
Variant type: single nucleotide variant.
Coding change: c.292G>A on transcript NM_015271.5 (MANE Select); coding-DNA position 292, G replaced by A.
Protein change: p.Glu98Lys; replaces glutamic acid 98 with lysine.
Molecular consequence: missense variant. On other transcripts: 5 prime UTR variant (4).
Genome position (GRCh38, 1-based): chr4:153,275,969, G>A. VCF-style: chr4-153275969-G-A. GRCh37 (hg19) VCF-style: chr4-154197121-G-A.
Other names: c.211G>A, p.Glu71Lys (NM_001130067.2, NM_001351056.2, NM_001375512.1 and 10 more transcripts); c.292G>A, p.Glu98Lys (NM_001302692.2, NM_001375488.1, NM_001375490.1 and 2 more transcripts); c.289G>A, p.Glu97Lys (NM_001302693.2, NM_001375489.1, NM_001375491.1 and 3 more transcripts); c.265G>A, p.Glu89Lys (NM_001302694.2, NM_001351054.2); c.262G>A, p.Glu88Lys (NM_001351055.2); c.-266G>A (NM_001351057.2); c.-48G>A (NM_001375522.1, NM_001375523.1, NM_001375525.1); short protein forms E71K, E88K, E89K, E97K, E98K.
Identifiers: ClinVar variation 4798055 (VCV004798055.1).

ClinVar aggregate classification (germline): Uncertain significance (1 of 4 stars; one submission).

Conditions:
Charcot-Marie-Tooth disease type 2R. Also called: Charcot-Marie-Tooth disease, axonal, type 2R; CHARCOT-MARIE-TOOTH NEUROPATHY, TYPE 2R; CHARCOT-MARIE-TOOTH DISEASE, AXONAL, AUTOSOMAL RECESSIVE, TYPE 2R. Identifiers: Orphanet 397968, MedGen C3809655, MONDO:0014208, OMIM 615490.

Submission:

Labcorp Genetics (formerly Invitae), Labcorp
Classification: Uncertain significance for Charcot-Marie-Tooth disease type 2R. Last evaluated: 2025-10-08. Review status: criteria provided, single submitter. Criteria: Invitae Variant Classification Sherloc (09022015). Collection method: clinical testing. Allele origin: germline.
Comment: This sequence change replaces glutamic acid, which is acidic and polar, with lysine, which is basic and polar, at codon 71 of the TRIM2 protein (p.Glu71Lys). This variant is not present in population databases (gnomAD no frequency). This variant has not been reported in the literature in individuals affected with TRIM2-related conditions. An algorithm developed to predict the effect of missense changes on protein structure and function (PolyPhen-2) suggests that this variant is likely to be disruptive. In summary, the available evidence is currently insufficient to determine the role of this variant in disease. Therefore, it has been classified as a Variant of Uncertain Significance.